The following is an entry in ClinVar:

ClinVar aggregate classification (germline): Pathogenic. Review status: criteria provided, single submitter (1 of 4 stars). 2 submissions from 2 submitters: Pathogenic (1). 1 of the submissions does not count toward it. Last evaluated 2019-08-25.

Conditions:
Amyotrophic lateral sclerosis (ALS). Also called: Charcot disease; Lou Gehrig disease. Identifiers: Orphanet 803, MedGen C0002736, MONDO:0004976, HP:0007354.
Infantile-onset ascending hereditary spastic paralysis (IAHSP). Also called: Autosomal Recessive Juvenile Amyotrophic Lateral Sclerosis; Infantile-Onset Ascending Hereditary Spastic Paralysis (IAHSP). Identifiers: Orphanet 293168, MedGen C2931441, MONDO:0011797, OMIM 607225. Disease mechanism: loss of function.

Allele frequency attached by ClinVar (database versions not stated): TOPMed below 0.00001; ExAC 0.00001; gnomAD exomes 0.00001.
gnomAD v4.1: 11 of 1,613,998 alleles (0.00068%); highest among the groups gnomAD compares: Admixed American, 0.0017%; no homozygotes.

Submissions (2):

Labcorp Genetics (formerly Invitae), Labcorp
Classification: Pathogenic for Infantile-onset ascending hereditary spastic paralysis. Last evaluated: 2019-08-25. Review status: criteria provided, single submitter. Criteria: Invitae Variant Classification Sherloc (09022015). Collection method: clinical testing. Allele origin: germline.
Comment: For these reasons, this variant has been classified as Pathogenic. Loss-of-function variants in ALS2 are known to be pathogenic (PMID: 11586298, 24315819). This variant has not been reported in the literature in individuals with ALS2-related conditions. This variant is present in population databases (rs759408917, ExAC 0.002%). This sequence change creates a premature translational stop signal (p.Arg741*) in the ALS2 gene. It is expected to result in an absent or disrupted protein product.

UM ALS/MND Lab, University Of Malta
Classification: Likely pathogenic for Amyotrophic lateral sclerosis. Review status: no assertion criteria provided. Collection method: research. Allele origin: unknown. Inheritance: Autosomal recessive inheritance. Affected: yes. Observed: 1 compound heterozygote. Not counted in ClinVar's aggregate classification.

Literature cited by the submitters: PubMed 11586298 (cited by Labcorp Genetics (formerly Invitae), Labcorp); PubMed 24315819 (cited by Labcorp Genetics (formerly Invitae), Labcorp).

NM_020919.4(ALS2):c.2221C>T (p.Arg741Ter)

Gene: ALS2 (alsin Rho guanine nucleotide exchange factor ALS2; minus strand). Cytogenetic location: 2q33.1.
Variant type: single nucleotide variant.
Coding change: c.2221C>T on transcript NM_020919.4 (MANE Select); coding-DNA position 2221, C replaced by T.
Protein change: p.Arg741Ter; replaces arginine 741 with a stop codon.
Molecular consequence: nonsense.
Genome position (GRCh38, 1-based): chr2:201,741,804, G>A on the plus strand (C>T on the coding strand, the complement: ALS2 is on the minus strand). VCF-style: chr2-201741804-G-A. GRCh37 (hg19) VCF-style: chr2-202606527-G-A.
Other names: short protein forms R741*.
Identifiers: ClinVar variation 961004 (VCV000961004.37), dbSNP rs759408917, ClinGen allele CA2058244.